The following is an entry in ClinVar:

ClinVar aggregate classification (germline): Likely benign. Review status: criteria provided, multiple submitters, no conflicts (2 of 4 stars). 2 submissions from 2 submitters: Likely benign (2). Last evaluated 2023-03-20.

Allele frequency attached by ClinVar (database versions not stated): gnomAD 0.00004; TOPMed 0.00004; ESP Exome Variant Server 0.00009.

Submissions (2):

Blueprint Genetics
Classification: Likely benign. Last evaluated: 2023-03-20. Review status: criteria provided, single submitter. Criteria: ACMG Guidelines, 2015. Collection method: clinical testing. Allele origin: germline.

CeGaT Center for Human Genetics Tuebingen
Classification: Likely benign. Last evaluated: 2022-08-01. Review status: criteria provided, single submitter. Criteria: CeGaT Center For Human Genetics Tuebingen Variant Classification Criteria Version 2. Collection method: clinical testing. Allele origin: germline. Affected: yes. Observed: 1 variant allele.
Comment: POU3F4: BP4, BP7

NM_000307.5(POU3F4):c.468C>T (p.Ala156=)

Gene: POU3F4 (POU class 3 homeobox 4; plus strand). Cytogenetic location: Xq21.1.
Variant type: single nucleotide variant.
Coding change: c.468C>T on transcript NM_000307.5 (MANE Select); coding-DNA position 468, C replaced by T.
Protein change: p.Ala156=; no amino-acid change (alanine 156 retained).
Molecular consequence: synonymous variant.
Genome position (GRCh38, 1-based): chrX:83,508,792, C>T. VCF-style: chrX-83508792-C-T. GRCh37 (hg19) VCF-style: chrX-82763800-C-T.
Identifiers: ClinVar variation 2660990 (VCV002660990.25), dbSNP rs377423111, ClinGen allele CA332228385.